The following is an entry in ClinVar:

NM_000257.4(MYH7):c.5202G>C (p.Leu1734=)

Genes: MHRT (myosin heavy chain associated RNA transcript; plus strand), MYH7 (myosin heavy chain 7; minus strand), LOC126861897 (BRD4-independent group 4 enhancer GRCh37_chr14:23884455-23885654; plus strand). Cytogenetic location: 14q11.2.
Variant type: single nucleotide variant.
Coding change: c.5202G>C on transcript NM_000257.4 (MANE Select); coding-DNA position 5202, G replaced by C.
Protein change: p.Leu1734=; no amino-acid change (leucine 1734 retained).
Molecular consequence: synonymous variant. On other transcripts: non-coding transcript variant (1).
Genome position (GRCh38, 1-based): chr14:23,415,462, C>G on the plus strand (G>C on the coding strand, the complement: MYH7 is on the minus strand). VCF-style: chr14-23415462-C-G. GRCh37 (hg19) VCF-style: chr14-23884671-C-G.
Other names: c.5202G>C, p.Leu1734= (NM_001407004.1).
Identifiers: ClinVar variation 1746042 (VCV001746042.6), dbSNP rs1271751767, ClinGen allele CA485765890.

ClinVar aggregate classification (germline): Conflicting classifications of pathogenicity. Review status: criteria provided, conflicting classifications (1 of 4 stars). 3 submissions from 3 submitters: Uncertain significance (1); Likely benign (2). Last evaluated 2023-12-13.

Conditions:
Cardiovascular phenotype. Identifiers: MedGen CN230736.
Cardiomyopathy (CMYO). Also called: Cardiomyopathies. Identifiers: Orphanet 167848, MedGen C0878544, MONDO:0004994, HP:0001638. Inheritance: Various modes of inheritance.
Hypertrophic cardiomyopathy. Also called: HYPERTROPHIC MYOCARDIOPATHY. Identifiers: Orphanet 217569, MedGen C0007194, MeSH D002312, MONDO:0005045, HP:0001639.

Allele frequency attached by ClinVar (database versions not stated): gnomAD exomes below 0.00001; TOPMed below 0.00001.
gnomAD v4.1: 3 of 1,614,228 alleles (0.00019%); highest among the groups gnomAD compares: Non-Finnish European, 0.00025%; no homozygotes.

Submissions (3):

All of Us Research Program, National Institutes of Health
Classification: Uncertain significance for Cardiomyopathy. Last evaluated: 2023-12-13. Review status: criteria provided, single submitter. Criteria: ACMG Guidelines, 2015. Collection method: clinical testing. Allele origin: germline. Inheritance: Autosomal dominant inheritance. Observed: 2 variant alleles, 2 heterozygotes.
Comment: This variant is located in the MYH7 protein. To our knowledge, functional studies have not been reported for this variant. This variant has not been reported in individuals affected with MYH7-related disorders in the literature. This variant has not been identified in the general population by the Genome Aggregation Database (gnomAD). The available evidence is insufficient to determine the role of this variant in disease conclusively. Therefore, this variant is classified as a Variant of Uncertain Significance.

This study involves interpretation of variants in research participants for the purpose of population health screening. Participant phenotype was not available at the time of variant classification. Additional details can be found in publication PMID: 35346344, PMCID: PMC8962531

Labcorp Genetics (formerly Invitae), Labcorp
Classification: Likely benign for Hypertrophic cardiomyopathy. Last evaluated: 2023-08-11. Review status: criteria provided, single submitter. Criteria: Invitae Variant Classification Sherloc (09022015). Collection method: clinical testing. Allele origin: germline.

Ambry Genetics
Classification: Likely benign for Cardiovascular phenotype. Last evaluated: 2020-03-25. Review status: criteria provided, single submitter. Criteria: Ambry Variant Classification Scheme 2023. Collection method: clinical testing. Allele origin: germline.